The following is an entry in ClinVar:

ClinVar aggregate classification (germline): Pathogenic (1 of 4 stars; one submission).

Conditions:
Duchenne muscular dystrophy (DMD). Also called: MUSCULAR DYSTROPHY, PSEUDOHYPERTROPHIC PROGRESSIVE, DUCHENNE TYPE; Duchenne Muscular Dystrophy (DMD). Identifiers: Orphanet 98896, MedGen C0013264, MONDO:0010679, OMIM 310200.

Submission:

Labcorp Genetics (formerly Invitae), Labcorp
Classification: Pathogenic for Duchenne muscular dystrophy. Last evaluated: 2023-10-09. Review status: criteria provided, single submitter. Criteria: Invitae Variant Classification Sherloc (09022015). Collection method: clinical testing. Allele origin: unknown.
Comment: This variant is a gross deletion of the genomic region encompassing exon(s) 54-79 of the DMD gene, which includes the termination codon. This deletion extends beyond the assayed region for this gene and therefore may encompass additional genes. While this deletion is not anticipated to lead to nonsense mediated decay, it is expected to alter mRNA translation or result in a truncated protein product. A similar copy number variant has been observed in individual(s) with clinical features consistent with Duchenne muscular dystrophy (PMID: 32559196). This variant disrupts a region of the DMD protein in which other variant(s) (Deletion (Exon 60)) have been determined to be pathogenic (PMID: 15723292, 16834926). This suggests that this is a clinically significant region of the protein, and that variants that disrupt it are likely to be disease-causing. For these reasons, this variant has been classified as Pathogenic.

Literature cited by the submitters: PubMed 32559196; PubMed 15723292; PubMed 16834926.

NC_000023.10:g.(?_31140036)_(31676281_?)del

Gene: DMD (dystrophin; minus strand). Cytogenetic location: Xp21.2-21.1.
Variant type: Deletion.
Identifiers: ClinVar variation 3248429 (VCV003248429.1).